The following is an entry in ClinVar:

ClinVar aggregate classification (germline): Uncertain significance (1 of 4 stars; one submission).

Submission:

Ambry Genetics
Classification: Uncertain significance. Last evaluated: 2024-01-05. Review status: criteria provided, single submitter. Criteria: Ambry Variant Classification Scheme 2023. Collection method: clinical testing. Allele origin: germline.
Comment: The p.S19A variant (also known as c.55T>G), located in coding exon 1 of the POLQ gene, results from a T to G substitution at nucleotide position 55. The serine at codon 19 is replaced by alanine, an amino acid with similar properties. This amino acid position is conserved. In addition, this alteration is predicted to be tolerated by in silico analysis. Since supporting evidence is limited at this time, the clinical significance of this alteration remains unclear.

NM_199420.4(POLQ):c.55T>G (p.Ser19Ala)

Genes: POLQ (DNA polymerase theta; minus strand), LOC112872292 (Sharpr-MPRA regulatory region 30; plus strand). Cytogenetic location: 3q13.33.
Variant type: single nucleotide variant.
Coding change: c.55T>G on transcript NM_199420.4 (MANE Select); coding-DNA position 55, T replaced by G.
Protein change: p.Ser19Ala; replaces serine 19 with alanine.
Molecular consequence: missense variant.
Genome position (GRCh38, 1-based): chr3:121,545,823, A>C on the plus strand (T>G on the coding strand, the complement: POLQ is on the minus strand). VCF-style: chr3-121545823-A-C. GRCh37 (hg19) VCF-style: chr3-121264670-A-C.
Other names: short protein forms S19A.
Identifiers: ClinVar variation 1748570 (VCV001748570.2), dbSNP rs2546828735, ClinGen allele CA354097603.